The following is an entry in ClinVar:

ClinVar aggregate classification (germline): Conflicting classifications of pathogenicity. Review status: criteria provided, conflicting classifications (1 of 4 stars). 8 submissions from 8 submitters: Uncertain significance (1); Benign (1); Likely benign (6). Last evaluated 2026-02-01.

Conditions:
Primary ciliary dyskinesia. Also called: Ciliary dyskinesia. Identifiers: Orphanet 244, MedGen C0008780, MONDO:0016575, HP:0012265.
Primary ciliary dyskinesia 3. Identifiers: Orphanet 244, MedGen C1837618, MONDO:0012085, OMIM 608644.

Allele frequency attached by ClinVar (database versions not stated): 1000 Genomes Project 0.00060; 1000 Genomes Project 30x 0.00062; gnomAD 0.00070; TOPMed 0.00114; ESP Exome Variant Server 0.00123; gnomAD exomes 0.00145 and 0.00167; ExAC 0.00178.
gnomAD v4.1: 2,580 of 1,614,034 alleles (0.16%); highest among the groups gnomAD compares: Non-Finnish European, 0.2%; 3 homozygotes.

Submissions (8):

Labcorp Genetics (formerly Invitae), Labcorp
Classification: Benign for Primary ciliary dyskinesia. Last evaluated: 2026-02-01. Review status: criteria provided, single submitter. Criteria: Invitae Variant Classification Sherloc (09022015). Collection method: clinical testing. Allele origin: germline.

CeGaT Center for Human Genetics Tuebingen
Classification: Likely benign. Last evaluated: 2025-08-01. Review status: criteria provided, single submitter. Criteria: CeGaT Center For Human Genetics Tuebingen Variant Classification Criteria Version 2. Collection method: clinical testing. Allele origin: germline. Affected: yes. Observed: 7 variant alleles.
Comment: DNAH5: BP4, BP7

Mayo Clinic Laboratories, Mayo Clinic
Classification: Likely benign. Last evaluated: 2025-05-19. Review status: criteria provided, single submitter. Criteria: ACMG Guidelines, 2015. Collection method: clinical testing. Allele origin: germline. Observed: 3 variant alleles.
Comment: BP4, BP7

ARUP Laboratories, Molecular Genetics and Genomics, ARUP Laboratories
Classification: Likely benign for Primary ciliary dyskinesia 3. Last evaluated: 2025-05-09. Review status: criteria provided, single submitter. Criteria: ARUP Molecular Germline Variant Investigation Process 2024. Collection method: clinical testing. Allele origin: germline.

Blueprint Genetics
Classification: Likely benign. Last evaluated: 2024-11-06. Review status: criteria provided, single submitter. Criteria: ACMG Guidelines, 2015. Collection method: clinical testing. Allele origin: germline.

Illumina Laboratory Services, Illumina
Classification: Uncertain significance for Primary ciliary dyskinesia 3. Last evaluated: 2018-01-13. Review status: criteria provided, single submitter. Criteria: ICSL Variant Classification Criteria 13 December 2019. Collection method: clinical testing. Allele origin: germline.

Ambry Genetics
Classification: Likely benign for Primary ciliary dyskinesia. Last evaluated: 2016-08-22. Review status: criteria provided, single submitter. Criteria: Ambry Variant Classification Scheme 2023. Collection method: clinical testing. Allele origin: germline.

PreventionGenetics, part of Exact Sciences
Classification: Likely benign. Review status: criteria provided, single submitter. Criteria: ACMG Guidelines, 2015. Collection method: clinical testing. Allele origin: germline.

NM_001369.3(DNAH5):c.4509C>T (p.Thr1503=)

Genes: DNAH5 (dynein axonemal heavy chain 5; minus strand), DNAH5-AS1 (DNAH5 antisense RNA 1; plus strand). Cytogenetic location: 5p15.2.
Variant type: single nucleotide variant.
Coding change: c.4509C>T on transcript NM_001369.3 (MANE Select); coding-DNA position 4509, C replaced by T.
Protein change: p.Thr1503=; no amino-acid change (threonine 1503 retained).
Molecular consequence: synonymous variant.
Genome position (GRCh38, 1-based): chr5:13,864,484, G>A on the plus strand (C>T on the coding strand, the complement: DNAH5 is on the minus strand). VCF-style: chr5-13864484-G-A. GRCh37 (hg19) VCF-style: chr5-13864593-G-A.
Other names: p.Thr1503=.
Identifiers: ClinVar variation 215495 (VCV000215495.62), dbSNP rs138157585, ClinGen allele CA337705.